The following is an entry in ClinVar:

NM_207346.3(TSEN54):c.1175G>C (p.Arg392Thr)

Gene: TSEN54 (tRNA splicing endonuclease subunit 54; plus strand). Cytogenetic location: 17q25.1.
Variant type: single nucleotide variant.
Coding change: c.1175G>C on transcript NM_207346.3 (MANE Select); coding-DNA position 1175, G replaced by C.
Protein change: p.Arg392Thr; replaces arginine 392 with threonine.
Molecular consequence: missense variant.
Genome position (GRCh38, 1-based): chr17:75,522,256, G>C. VCF-style: chr17-75522256-G-C. GRCh37 (hg19) VCF-style: chr17-73518337-G-C.
Other names: short protein forms R392T.
Identifiers: ClinVar variation 2193533 (VCV002193533.1), dbSNP rs540415680, ClinGen allele CA401029972.

ClinVar aggregate classification (germline): Uncertain significance (1 of 4 stars; one submission).

Allele frequency attached by ClinVar (database versions not stated): TOPMed 0.00003.
gnomAD v4.1: 84 of 1,547,334 alleles (0.0054%); highest among the groups gnomAD compares: Non-Finnish European, 0.007%; no homozygotes.

Submission:

Labcorp Genetics (formerly Invitae), Labcorp
Classification: Uncertain significance. Last evaluated: 2022-08-16. Review status: criteria provided, single submitter. Criteria: Invitae Variant Classification Sherloc (09022015). Collection method: clinical testing. Allele origin: germline.
Comment: This sequence change replaces arginine, which is basic and polar, with threonine, which is neutral and polar, at codon 392 of the TSEN54 protein (p.Arg392Thr). This variant is present in population databases (no rsID available, gnomAD 0.01%). This variant has not been reported in the literature in individuals affected with TSEN54-related conditions. Algorithms developed to predict the effect of missense changes on protein structure and function output the following: SIFT: "Tolerated"; PolyPhen-2: "Benign"; Align-GVGD: "Class C0". The threonine amino acid residue is found in multiple mammalian species, which suggests that this missense change does not adversely affect protein function. In summary, the available evidence is currently insufficient to determine the role of this variant in disease. Therefore, it has been classified as a Variant of Uncertain Significance.